The following is an entry in ClinVar:

NM_001170629.2(CHD8):c.2480A>T (p.Tyr827Phe)

Gene: CHD8 (chromodomain helicase DNA binding protein 8; minus strand). Cytogenetic location: 14q11.2.
Variant type: single nucleotide variant.
Coding change: c.2480A>T on transcript NM_001170629.2 (MANE Select); coding-DNA position 2480, A replaced by T.
Protein change: p.Tyr827Phe; replaces tyrosine 827 with phenylalanine.
Molecular consequence: missense variant.
Genome position (GRCh38, 1-based): chr14:21,408,710, T>A on the plus strand (A>T on the coding strand, the complement: CHD8 is on the minus strand). VCF-style: chr14-21408710-T-A. GRCh37 (hg19) VCF-style: chr14-21876869-T-A.
Other names: c.1643A>T, p.Tyr548Phe (NM_020920.4); short protein forms Y548F, Y827F.
Identifiers: ClinVar variation 1898566 (VCV001898566.6), dbSNP rs1421503505, ClinGen allele CA388876081.

ClinVar aggregate classification (germline): Uncertain significance. Review status: criteria provided, multiple submitters, no conflicts (2 of 4 stars). 2 submissions from 2 submitters: Uncertain significance (2). Last evaluated 2023-11-27.

Conditions:
Intellectual developmental disorder with autism and macrocephaly. Also called: CHD8-Related Neurodevelopmental Disorder with Overgrowth; Autism, susceptibility to, 18. Identifiers: Orphanet 642675, MedGen C3554373, MONDO:0014017, OMIM 615032.

gnomAD v4.1: 1 of 1,611,008 alleles (0.000062%); highest among the groups gnomAD compares: Non-Finnish European, 0.000085%; no homozygotes.

Submissions (2):

MVZ Medizinische Genetik Mainz
Classification: Uncertain significance for Intellectual developmental disorder with autism and macrocephaly. Last evaluated: 2023-11-27. Review status: criteria provided, single submitter. Criteria: UK Practice Guidelines For Variant Classification V4 01 2020. Collection method: clinical testing. Allele origin: germline. Inheritance: Autosomal dominant inheritance. Affected: yes. Observed: 1 variant allele.

Labcorp Genetics (formerly Invitae), Labcorp
Classification: Uncertain significance. Last evaluated: 2022-08-16. Review status: criteria provided, single submitter. Criteria: Invitae Variant Classification Sherloc (09022015). Collection method: clinical testing. Allele origin: germline.
Comment: In summary, the available evidence is currently insufficient to determine the role of this variant in disease. Therefore, it has been classified as a Variant of Uncertain Significance. Algorithms developed to predict the effect of missense changes on protein structure and function (SIFT, PolyPhen-2, Align-GVGD) all suggest that this variant is likely to be tolerated. This variant has not been reported in the literature in individuals affected with CHD8-related conditions. This variant is not present in population databases (gnomAD no frequency). This sequence change replaces tyrosine, which is neutral and polar, with phenylalanine, which is neutral and non-polar, at codon 827 of the CHD8 protein (p.Tyr827Phe).